The following is an entry in ClinVar:

NM_007294.4(BRCA1):c.2086del (p.Thr696fs)

Gene: BRCA1 (BRCA1 DNA repair associated; minus strand). Cytogenetic location: 17q21.31.
Variant type: Deletion.
Coding change: c.2086del on transcript NM_007294.4 (MANE Select); coding-DNA position 2086, one base deleted (A; older notation c.2086delA).
Protein change: p.Thr696fs; shifts the reading frame from threonine 696.
Molecular consequence: frameshift variant. On other transcripts: intron variant (137).
Genome position (GRCh38, 1-based): chr17:43,093,445, T deleted on the plus strand (A on the coding strand, the reverse complement: BRCA1 is on the minus strand). VCF-style (leftmost placement, unchanged base first): chr17-43093444-GT-G. GRCh37 (hg19) VCF-style: chr17-41245461-GT-G.
Other names: c.1945del, p.Thr649fs (NM_001407727.1, NM_001407728.1, NM_001407729.1 and 29 more transcripts); c.1942del, p.Thr648fs (NM_001407740.1, NM_001407741.1, NM_001407742.1 and 20 more transcripts); c.1873del, p.Thr625fs (NM_001407853.1, NM_001407894.1, NM_001407895.1 and 9 more transcripts); c.2086del, p.Thr696fs (NM_001407854.1, NM_001407858.1, NM_001407859.1 and 30 more transcripts); c.2083del, p.Thr695fs (NM_001407860.1, NM_001407861.1, NM_001407587.1 and 22 more transcripts); c.1885del, p.Thr629fs (NM_001407862.1); c.1963del, p.Thr655fs (NM_001407863.1, NM_001407919.1, NM_001407937.1 and 19 more transcripts); c.1882del, p.Thr628fs (NM_001407874.1, NM_001407875.1); and 40 more; short protein forms T696fs, T649fs, T569fs, T584fs, T626fs, T654fs, T670fs, T693fs.
Identifiers: ClinVar variation 54458 (VCV000054458.3), dbSNP rs397508937, ClinGen allele CA001386.
Genomic context (GRCh38, chr17:43,093,444, plus strand): 5'-CTGGTATTTGAACACTTAGTAAAAGAACCAGGTGCATTTGTTAACTTCAGCTCTGGGAAA[GT>G]ATCGCTGTCATGTCTTTTACTTGTCTGTTCATTTGGCTTGTTACTCTTCTTGGCTCCAGT-3'

ClinVar aggregate classification (germline): Pathogenic. Review status: reviewed by expert panel (3 of 4 stars). 2 submissions from 2 submitters: Pathogenic (1). 1 of the submissions does not count toward it. Last evaluated 2017-12-15.

Conditions:
Breast-ovarian cancer, familial, susceptibility to, 1 (BROVCA1). Also called: OVARIAN CANCER, SUSCEPTIBILITY TO; BRCA1 Hereditary Breast and Ovarian Cancer. Identifiers: Orphanet 145, MedGen C2676676, MONDO:0011450, OMIM 604370. Disease mechanism: loss of function.
Familial cancer of breast. Also called: Hereditary breast cancer; hereditary breast carcinoma; BREAST CANCER, FAMILIAL. Identifiers: Orphanet 227535, MedGen C0346153, MONDO:0016419, OMIM 114480. Disease mechanism: loss of function.

Submissions (2):

Evidence-based Network for the Interpretation of Germline Mutant Alleles (ENIGMA)
Classification: Pathogenic for Breast-ovarian cancer, familial, susceptibility to, 1. Last evaluated: 2017-12-15. Review status: reviewed by expert panel. Criteria: ENIGMA BRCA1/2 Classification Criteria (2017-06-29). Collection method: curation. Allele origin: germline. Study: ENIGMA.
Comment: Variant allele predicted to encode a truncated non-functional protein.

ClinVar Staff, National Center for Biotechnology Information (NCBI)
No classification provided. Condition: Familial cancer of breast. Review status: no classification provided. Collection method: literature only. Allele origin: germline. Affected: yes. Not counted in ClinVar's aggregate classification.

Literature cited by the submitters: PubMed 8807330 (cited by ClinVar Staff, National Center for Biotechnology Information (NCBI)).